The following is an entry in ClinVar:

NM_201384.3(PLEC):c.9351C>T (p.Phe3117=)

Gene: PLEC (plectin; minus strand). Cytogenetic location: 8q24.3.
Variant type: single nucleotide variant.
Coding change: c.9351C>T on transcript NM_201384.3 (MANE Select); coding-DNA position 9351, C replaced by T.
Protein change: p.Phe3117=; no amino-acid change (phenylalanine 3117 retained).
Molecular consequence: synonymous variant.
Genome position (GRCh38, 1-based): chr8:143,920,470, G>A on the plus strand (C>T on the coding strand, the complement: PLEC is on the minus strand). VCF-style: chr8-143920470-G-A. GRCh37 (hg19) VCF-style: chr8-144994638-G-A.
Other names: c.9432C>T, p.Phe3144= (NM_000445.5); c.9309C>T, p.Phe3103= (NM_201378.4); c.9285C>T, p.Phe3095= (NM_201379.3); c.9762C>T, p.Phe3254= (NM_201380.4); c.9255C>T, p.Phe3085= (NM_201381.3); c.9351C>T, p.Phe3117= (NM_201382.4); c.9363C>T, p.Phe3121= (NM_201383.3).
Identifiers: ClinVar variation 281481 (VCV000281481.59), dbSNP rs200895343, ClinGen allele CA4924996.

ClinVar aggregate classification (germline): Benign/Likely benign. Review status: criteria provided, multiple submitters, no conflicts (2 of 4 stars). 8 submissions from 8 submitters: Benign (2); Likely benign (6). Last evaluated 2026-06-01.

Conditions:
Epidermolysis bullosa simplex, Ogna type (EBS5A). Also called: Pidermolysis bullosa simplex 5A, Ogna type; EPIDERMOLYSIS BULLOSA SIMPLEX 5A, OGNA TYPE. Identifiers: Orphanet 79401, MedGen C0432317, MONDO:0007555, OMIM 131950.
Epidermolysis bullosa simplex with nail dystrophy (EBS5D). Identifiers: MedGen C4225309, MONDO:0014661, OMIM 616487.
Autosomal recessive limb-girdle muscular dystrophy type 2Q (LGMDR17). Also called: MUSCULAR DYSTROPHY, LIMB-GIRDLE, AUTOSOMAL RECESSIVE 17. Identifiers: Orphanet 254361, MedGen C3150989, MONDO:0013390, OMIM 613723.
Epidermolysis bullosa simplex 5C, with pyloric atresia (EBS5C). Also called: Epidermolysis bullosa simplex with pyloric atresia; PLEC1-Related Epidermolysis Bullosa with Pyloric Atresia; PLEC-Related Epidermolysis Bullosa with Pyloric Atresia. Identifiers: Orphanet 158684, MedGen C2677349, MONDO:0012807, OMIM 612138.
Epidermolysis bullosa simplex 5B, with muscular dystrophy (EBS5B). Also called: Epidermolysis bullosa simplex with muscular dystrophy; EPIDERMOLYSIS BULLOSA SIMPLEX AND LIMB-GIRDLE MUSCULAR DYSTROPHY. Identifiers: Orphanet 257, MedGen C2931072, MONDO:0009181, OMIM 226670.
Junctional epidermolysis bullosa with pyloric atresia. Also called: Epidermolysis bullosa, junctional, with pyloric atresia and aplasia cutis congenita; Epidermolysis bullosa junctionalis with pyloric atresia; ITGB4-Related Epidermolysis Bullosa with Pyloric Atresia; APLASIA CUTIS CONGENITA WITH GASTROINTESTINAL ATRESIA; CARMI SYNDROME; EB-PA-ACC. Identifiers: Orphanet 79403, MedGen C5676875, MONDO:0009183, OMIM 226730.

Allele frequency attached by ClinVar (database versions not stated): 1000 Genomes Project 0.00060; 1000 Genomes Project 30x 0.00078; TOPMed 0.00141; gnomAD 0.00151 and 0.00153; ESP Exome Variant Server 0.00163; gnomAD exomes 0.00184; ExAC 0.00191.
gnomAD v4.1: 3,269 of 1,604,482 alleles (0.2%); highest among the groups gnomAD compares: Non-Finnish European, 0.24%; 12 homozygotes.

Submissions (8):

CeGaT Center for Human Genetics Tuebingen
Classification: Likely benign. Last evaluated: 2026-06-01. Review status: criteria provided, single submitter. Criteria: CeGaT Center For Human Genetics Tuebingen Variant Classification Criteria Version 2. Collection method: clinical testing. Allele origin: germline. Affected: yes. Observed: 8 variant alleles.
Comment: PLEC: BP4, BP7

Labcorp Genetics (formerly Invitae), Labcorp
Classification: Benign for Autosomal recessive limb-girdle muscular dystrophy type 2Q; Epidermolysis bullosa simplex, Ogna type; Epidermolysis bullosa simplex with nail dystrophy; Epidermolysis bullosa simplex 5C, with pyloric atresia; Epidermolysis bullosa simplex 5B, with muscular dystrophy. Last evaluated: 2026-02-01. Review status: criteria provided, single submitter. Criteria: Invitae Variant Classification Sherloc (09022015). Collection method: clinical testing. Allele origin: germline.

Blueprint Genetics
Classification: Likely benign. Last evaluated: 2024-11-13. Review status: criteria provided, single submitter. Criteria: ACMG Guidelines, 2015. Collection method: clinical testing. Allele origin: germline.

Fulgent Genetics
Classification: Likely benign for Epidermolysis bullosa simplex, Ogna type; Epidermolysis bullosa simplex 5B, with muscular dystrophy; Junctional epidermolysis bullosa with pyloric atresia; Epidermolysis bullosa simplex 5C, with pyloric atresia; Autosomal recessive limb-girdle muscular dystrophy type 2Q; Epidermolysis bullosa simplex with nail dystrophy. Last evaluated: 2021-09-14. Review status: criteria provided, single submitter. Criteria: ACMG Guidelines, 2015. Collection method: clinical testing. Allele origin: unknown.

GeneDx
Classification: Likely benign. Last evaluated: 2021-04-16. Review status: criteria provided, single submitter. Criteria: GeneDx Variant Classification Process June 2021. Collection method: clinical testing. Allele origin: germline. Affected: yes.

Athena Diagnostics
Classification: Benign. Last evaluated: 2018-05-02. Review status: criteria provided, single submitter. Criteria: Athena Diagnostics Criteria. Collection method: clinical testing. Allele origin: germline.

Eurofins Ntd Llc (ga)
Classification: Likely benign. Last evaluated: 2015-06-22. Review status: criteria provided, single submitter. Criteria: EGL Classification Definitions 2015. Collection method: clinical testing. Allele origin: germline. Observed: 1 variant allele, 1 heterozygote.

Breakthrough Genomics
Classification: Likely benign. Review status: criteria provided, single submitter. Criteria: ACMG Guidelines, 2015. Collection method: not provided. Allele origin: germline. Inheritance: Autosomal recessive inheritance. Affected: yes.